The following is an entry in ClinVar:

ClinVar aggregate classification (germline): Likely pathogenic (1 of 4 stars; one submission).

Conditions:
Bardet-Biedl syndrome (BBS). Identifiers: Orphanet 110, MedGen C0752166, MONDO:0015229.

Allele frequency attached by ClinVar (database versions not stated): gnomAD exomes below 0.00001.
gnomAD v4.1: 3 of 1,612,900 alleles (0.00019%); highest among the groups gnomAD compares: South Asian, 0.0033%; no homozygotes.

Submission:

Labcorp Genetics (formerly Invitae), Labcorp
Classification: Likely pathogenic for Bardet-Biedl syndrome. Last evaluated: 2021-11-18. Review status: criteria provided, single submitter. Criteria: Invitae Variant Classification Sherloc (09022015). Collection method: clinical testing. Allele origin: germline.
Comment: In summary, the currently available evidence indicates that the variant is pathogenic, but additional data are needed to prove that conclusively. Therefore, this variant has been classified as Likely Pathogenic. Algorithms developed to predict the effect of sequence changes on RNA splicing suggest that this variant may disrupt the consensus splice site. This variant has not been reported in the literature in individuals affected with BBS1-related conditions. This variant is not present in population databases (gnomAD no frequency). This sequence change affects a donor splice site in intron 11 of the BBS1 gene. It is expected to disrupt RNA splicing. Variants that disrupt the donor or acceptor splice site typically lead to a loss of protein function (PMID: 16199547), and loss-of-function variants in BBS1 are known to be pathogenic (PMID: 12118255).

Literature cited by the submitters: PubMed 16199547; PubMed 12118255.

NM_024649.5(BBS1):c.1110+1G>C

Genes: ZDHHC24 (zDHHC palmitoyltransferase 24; minus strand), BBS1 (Bardet-Biedl syndrome 1; plus strand). Cytogenetic location: 11q13.2.
Variant type: single nucleotide variant.
Coding change: c.1110+1G>C on transcript NM_024649.5 (MANE Select); the canonical splice donor site of the intron after coding-DNA position 1110, G replaced by C.
Molecular consequence: splice donor variant. On other transcripts: intron variant (1).
Genome position (GRCh38, 1-based): chr11:66,523,883, G>C. VCF-style: chr11-66523883-G-C. GRCh37 (hg19) VCF-style: chr11-66291354-G-C.
Other names: c.*22-2417C>G (NM_001348571.2).
Identifiers: ClinVar variation 1522863 (VCV001522863.7), dbSNP rs2134797993, ClinGen allele CA381463095.